The following is an entry in ClinVar:

NM_000204.5(CFI):c.1402A>G (p.Ile468Val)

Gene: CFI (complement factor I; minus strand). Cytogenetic location: 4q25.
Variant type: single nucleotide variant.
Coding change: c.1402A>G on transcript NM_000204.5 (MANE Select); coding-DNA position 1402, A replaced by G.
Protein change: p.Ile468Val; replaces isoleucine 468 with valine.
Molecular consequence: missense variant. On other transcripts: non-coding transcript variant (2).
Genome position (GRCh38, 1-based): chr4:109,746,249, T>C on the plus strand (A>G on the coding strand, the complement: CFI is on the minus strand). VCF-style: chr4-109746249-T-C. GRCh37 (hg19) VCF-style: chr4-110667405-T-C.
Other names: c.1426A>G, p.Ile476Val (NM_001318057.2, NM_001375278.1); c.1381A>G, p.Ile461Val (NM_001331035.2, NM_001375280.1, NM_001375282.1); c.1402A>G, p.Ile468Val (NM_001375279.1, NM_001375281.1); c.1345A>G, p.Ile449Val (NM_001375283.1); c.793A>G, p.Ile265Val (NM_001375284.1); short protein forms I449V, I476V, I265V, I468V, I461V.
Identifiers: ClinVar variation 1473878 (VCV001473878.9), dbSNP rs1403155452, ClinGen allele CA357856600.

ClinVar aggregate classification (germline): Uncertain significance. Review status: criteria provided, multiple submitters, no conflicts (2 of 4 stars). 2 submissions from 2 submitters: Uncertain significance (2). Last evaluated 2025-09-26.

Conditions:
Atypical hemolytic-uremic syndrome. Identifiers: Orphanet 2134, MedGen C2931788, MONDO:0016244.

Allele frequency attached by ClinVar (database versions not stated): gnomAD exomes below 0.00001; TOPMed below 0.00001; gnomAD 0.00001.
gnomAD v4.1: 3 of 1,614,060 alleles (0.00019%); highest among the groups gnomAD compares: Middle Eastern, 0.016%; no homozygotes.

Submissions (2):

Genomenon, Inc
Classification: Uncertain significance for Atypical hemolytic-uremic syndrome. Last evaluated: 2025-09-26. Review status: criteria provided, single submitter. Criteria: Genomenon Sequence Variant Interpretation Standards - Updated. Collection method: curation. Allele origin: germline. Affected: yes.
Comment: CFI p.Ile468Val (c.1402A>G) is a missense variant that changes the amino acid at residue 468 from Isoleucine to Valine. This variant has been observed in at least one proband affected with atypical hemolytic-uremic syndrome (PMID:27268256). In silico models agree that this variant is not damaging. In conclusion, we classify CFI p.Ile468Val (c.1402A>G) as a variant of unknown significance.

Labcorp Genetics (formerly Invitae), Labcorp
Classification: Uncertain significance. Last evaluated: 2024-05-23. Review status: criteria provided, single submitter. Criteria: Invitae Variant Classification Sherloc (09022015). Collection method: clinical testing. Allele origin: germline.
Comment: This sequence change replaces isoleucine, which is neutral and non-polar, with valine, which is neutral and non-polar, at codon 468 of the CFI protein (p.Ile468Val). This variant is present in population databases (no rsID available, gnomAD no frequency). This missense change has been observed in individual(s) with atypical hemolytic uremic syndrome (PMID: 27268256). ClinVar contains an entry for this variant (Variation ID: 1473878). Advanced modeling of protein sequence and biophysical properties (such as structural, functional, and spatial information, amino acid conservation, physicochemical variation, residue mobility, and thermodynamic stability) performed at Invitae indicates that this missense variant is not expected to disrupt CFI protein function with a negative predictive value of 80%. In summary, the available evidence is currently insufficient to determine the role of this variant in disease. Therefore, it has been classified as a Variant of Uncertain Significance.

Literature cited by the submitters: PubMed 27268256 (cited by Genomenon, Inc and Labcorp Genetics (formerly Invitae), Labcorp).